The following is an entry in ClinVar:

NM_020937.4(FANCM):c.4991T>C (p.Leu1664Ser)

Gene: FANCM (FA complementation group M; plus strand). Cytogenetic location: 14q21.2.
Variant type: single nucleotide variant.
Coding change: c.4991T>C on transcript NM_020937.4 (MANE Select); coding-DNA position 4991, T replaced by C.
Protein change: p.Leu1664Ser; replaces leucine 1664 with serine.
Molecular consequence: missense variant.
Genome position (GRCh38, 1-based): chr14:45,189,013, T>C. VCF-style: chr14-45189013-T-C. GRCh37 (hg19) VCF-style: chr14-45658216-T-C.
Other names: c.4913T>C, p.Leu1638Ser (NM_001308133.2); short protein forms L1664S, L1638S.
Identifiers: ClinVar variation 3848719 (VCV003848719.1).

ClinVar aggregate classification (germline): Uncertain significance (1 of 4 stars; one submission).

Conditions:
Inborn genetic diseases. Identifiers: MedGen C0950123, MeSH D030342.

Submission:

Ambry Genetics
Classification: Uncertain significance for Inborn genetic diseases. Last evaluated: 2025-02-09. Review status: criteria provided, single submitter. Criteria: Ambry Variant Classification Scheme 2023. Collection method: clinical testing. Allele origin: germline.
Comment: The p.L1664S variant (also known as c.4991T>C), located in coding exon 20 of the FANCM gene, results from a T to C substitution at nucleotide position 4991. The leucine at codon 1664 is replaced by serine, an amino acid with dissimilar properties. This amino acid position is conserved. In addition, this alteration is predicted to be tolerated by in silico analysis. Based on the available evidence, the clinical significance of this variant remains unclear.